The following is an entry in ClinVar:

NM_002439.5(MSH3):c.326G>A (p.Gly109Glu)

Gene: MSH3 (mutS homolog 3; plus strand). Cytogenetic location: 5q14.1.
Variant type: single nucleotide variant.
Coding change: c.326G>A on transcript NM_002439.5 (MANE Select); coding-DNA position 326, G replaced by A.
Protein change: p.Gly109Glu; replaces glycine 109 with glutamic acid.
Molecular consequence: missense variant.
Genome position (GRCh38, 1-based): chr5:80,656,499, G>A. VCF-style: chr5-80656499-G-A. GRCh37 (hg19) VCF-style: chr5-79952318-G-A.
Other names: short protein forms G109E.
Identifiers: ClinVar variation 949543 (VCV000949543.11), dbSNP rs1344759224, ClinGen allele CA360266466.

ClinVar aggregate classification (germline): Conflicting classifications of pathogenicity. Review status: criteria provided, conflicting classifications (1 of 4 stars). 2 submissions from 2 submitters: Uncertain significance (1); Likely benign (1). Last evaluated 2024-12-17.

Conditions:
Hereditary cancer-predisposing syndrome. Also called: Hereditary neoplastic syndrome; Neoplastic Syndromes, Hereditary; Tumor predisposition; Hereditary Cancer Syndrome. Identifiers: Orphanet 140162, MedGen C0027672, MeSH D009386, MONDO:0015356.

Allele frequency attached by ClinVar (database versions not stated): gnomAD 0.00001; TOPMed 0.00002.
gnomAD v4.1: 1 of 1,614,108 alleles (0.000062%); highest among the groups gnomAD compares: African/African-American, 0.0013%; no homozygotes.

Submissions (2):

Labcorp Genetics (formerly Invitae), Labcorp
Classification: Uncertain significance. Last evaluated: 2024-12-17. Review status: criteria provided, single submitter. Criteria: Invitae Variant Classification Sherloc (09022015). Collection method: clinical testing. Allele origin: germline.
Comment: This sequence change replaces glycine, which is neutral and non-polar, with glutamic acid, which is acidic and polar, at codon 109 of the MSH3 protein (p.Gly109Glu). This variant is not present in population databases (gnomAD no frequency). This variant has not been reported in the literature in individuals affected with MSH3-related conditions. ClinVar contains an entry for this variant (Variation ID: 949543). An algorithm developed to predict the effect of missense changes on protein structure and function outputs the following: PolyPhen-2: "Benign". The glutamic acid amino acid residue is found in multiple mammalian species, which suggests that this missense change does not adversely affect protein function. In summary, the available evidence is currently insufficient to determine the role of this variant in disease. Therefore, it has been classified as a Variant of Uncertain Significance.

Ambry Genetics
Classification: Likely benign for Hereditary cancer-predisposing syndrome. Last evaluated: 2021-09-20. Review status: criteria provided, single submitter. Criteria: Ambry Variant Classification Scheme 2023. Collection method: clinical testing. Allele origin: germline.